The following is an entry in ClinVar:

NM_000179.3(MSH6):c.2282G>A (p.Arg761Lys)

Gene: MSH6 (mutS homolog 6; plus strand). Cytogenetic location: 2p16.3.
Variant type: single nucleotide variant.
Coding change: c.2282G>A on transcript NM_000179.3 (MANE Select); coding-DNA position 2282, G replaced by A.
Protein change: p.Arg761Lys; replaces arginine 761 with lysine.
Molecular consequence: missense variant.
Genome position (GRCh38, 1-based): chr2:47,800,265, G>A. VCF-style: chr2-47800265-G-A. GRCh37 (hg19) VCF-style: chr2-48027404-G-A.
Other names: c.1892G>A, p.Arg631Lys (NM_001281492.2); c.1376G>A, p.Arg459Lys (NM_001281493.2, NM_001281494.2); short protein forms R761K, R459K, R631K.
Identifiers: ClinVar variation 89264 (VCV000089264.23), dbSNP rs587779233, ClinGen allele CA009957.
Genomic context (GRCh38, chr2:47,800,265, plus strand): 5'-ACAACTTGGAGATTTTTCTGAATGGAACAAATGGTTCTACTGAAGGAACCCTACTAGAGA[G>A]GGTTGATACTTGCCATACTCCTTTTGGTAAGCGGCTCCTAAAGCAATGGCTTTGTGCCCC-3'
Protein context (NP_000170.1, residues 751-771): NGSTEGTLLE[Arg761Lys]VDTCHTPFGK

ClinVar aggregate classification (germline): Conflicting classifications of pathogenicity. Review status: criteria provided, conflicting classifications (1 of 4 stars). 7 submissions from 7 submitters: Uncertain significance (5); Likely benign (1). 1 of the submissions does not count toward it. Last evaluated 2025-03-04.

Conditions:
Hereditary nonpolyposis colorectal neoplasms. Identifiers: MedGen C0009405, MeSH D003123.
Lynch syndrome 5 (LYNCH5). Also called: Colorectal cancer, hereditary nonpolyposis, type 5; Hereditary non-polyposis colorectal cancer, type 5. Identifiers: Orphanet 144, MedGen C1833477, MONDO:0013710, OMIM 614350. Disease mechanism: loss of function.
Hereditary cancer-predisposing syndrome. Also called: Tumor predisposition; Hereditary Cancer Syndrome; Hereditary neoplastic syndrome; Neoplastic Syndromes, Hereditary. Identifiers: Orphanet 140162, MedGen C0027672, MeSH D009386, MONDO:0015356.

Submissions (7):

Center for Genomic Medicine, Rigshospitalet, Copenhagen University Hospital
Classification: Uncertain significance. Last evaluated: 2025-03-04. Review status: criteria provided, single submitter. Criteria: ACMG Guidelines, 2015. Collection method: clinical testing. Allele origin: germline.

Color Diagnostics, LLC DBA Color Health
Classification: Uncertain significance for Hereditary cancer-predisposing syndrome. Last evaluated: 2024-01-08. Review status: criteria provided, single submitter. Criteria: ACMG Guidelines, 2015. Collection method: clinical testing. Allele origin: germline.
Comment: This missense variant replaces arginine with lysine at codon 761 of the MSH6 protein. Computational prediction suggests that this variant may not impact protein structure and function (internally defined REVEL score threshold <= 0.5, PMID: 27666373). To our knowledge, functional studies have not been reported for this variant. This variant has been reported in an individual affected with colorectal cancer that exhibited high microsatellite instability (PMID: 18301448). This variant has not been identified in the general population by the Genome Aggregation Database (gnomAD). The available evidence is insufficient to determine the role of this variant in disease conclusively. Therefore, this variant is classified as a Variant of Uncertain Significance.

Labcorp Genetics (formerly Invitae), Labcorp
Classification: Uncertain significance for Hereditary nonpolyposis colorectal neoplasms. Last evaluated: 2023-12-13. Review status: criteria provided, single submitter. Criteria: Invitae Variant Classification Sherloc (09022015). Collection method: clinical testing. Allele origin: germline.
Comment: This sequence change replaces arginine, which is basic and polar, with lysine, which is basic and polar, at codon 761 of the MSH6 protein (p.Arg761Lys). This variant is not present in population databases (gnomAD no frequency). This missense change has been observed in individual(s) with colon cancer (PMID: 18301448). ClinVar contains an entry for this variant (Variation ID: 89264). Advanced modeling of protein sequence and biophysical properties (such as structural, functional, and spatial information, amino acid conservation, physicochemical variation, residue mobility, and thermodynamic stability) performed at Invitae indicates that this missense variant is not expected to disrupt MSH6 protein function with a negative predictive value of 95%. In summary, the available evidence is currently insufficient to determine the role of this variant in disease. Therefore, it has been classified as a Variant of Uncertain Significance.

Myriad Genetics, Inc.
Classification: Uncertain significance for Lynch syndrome 5. Last evaluated: 2023-03-29. Review status: criteria provided, single submitter. Criteria: Myriad Autosomal Dominant, Autosomal Recessive and X-Linked Classification Criteria (2023). Collection method: clinical testing. Allele origin: unknown.
Comment: This variant is classified as a variant of uncertain significance as there is insufficient evidence to determine its impact on protein function and/or cancer risk.

Ambry Genetics
Classification: Likely benign for Hereditary cancer-predisposing syndrome. Last evaluated: 2022-08-04. Review status: criteria provided, single submitter. Criteria: Ambry Variant Classification Scheme 2023. Collection method: clinical testing. Allele origin: germline.

Quest Diagnostics Nichols Institute San Juan Capistrano
Classification: Uncertain significance. Last evaluated: 2020-01-08. Review status: criteria provided, single submitter. Criteria: Quest Diagnostics criteria. Collection method: clinical testing. Allele origin: unknown.

Counsyl
Classification: Uncertain significance for Lynch syndrome 5. Last evaluated: 2016-08-10. Review status: no assertion criteria provided. Collection method: clinical testing. Allele origin: unknown. Not counted in ClinVar's aggregate classification.

Literature cited by the submitters: PubMed 18301448 (cited by 5 submitters).